The following is an entry in ClinVar:

NM_002485.5(NBN):c.365T>C (p.Val122Ala)

Gene: NBN (nibrin; minus strand). Cytogenetic location: 8q21.3.
Variant type: single nucleotide variant.
Coding change: c.365T>C on transcript NM_002485.5 (MANE Select); coding-DNA position 365, T replaced by C.
Protein change: p.Val122Ala; replaces valine 122 with alanine.
Molecular consequence: missense variant.
Genome position (GRCh38, 1-based): chr8:89,980,849, A>G on the plus strand (T>C on the coding strand, the complement: NBN is on the minus strand). VCF-style: chr8-89980849-A-G. GRCh37 (hg19) VCF-style: chr8-90993077-A-G.
Other names: c.119T>C, p.Val40Ala (NM_001024688.3); short protein forms V40A, V122A.
Identifiers: ClinVar variation 1733675 (VCV001733675.3), dbSNP rs1216167429, ClinGen allele CA371662055.

ClinVar aggregate classification (germline): Uncertain significance. Review status: criteria provided, multiple submitters, no conflicts (2 of 4 stars). 2 submissions from 2 submitters: Uncertain significance (2). Last evaluated 2024-02-19.

Conditions:
Hereditary cancer-predisposing syndrome. Also called: Neoplastic Syndromes, Hereditary; Tumor predisposition; Hereditary Cancer Syndrome; Hereditary neoplastic syndrome. Identifiers: Orphanet 140162, MedGen C0027672, MeSH D009386, MONDO:0015356.
Aplastic anemia. Identifiers: Orphanet 182040, Orphanet 88, MedGen C0002874, MONDO:0015909, OMIM 609135, HP:0001915.

Allele frequency attached by ClinVar (database versions not stated): TOPMed below 0.00001.

Submissions (2):

Baylor Genetics
Classification: Uncertain significance for Aplastic anemia. Last evaluated: 2024-02-19. Review status: criteria provided, single submitter. Criteria: ACMG Guidelines, 2015. Collection method: clinical testing. Allele origin: unknown.

Ambry Genetics
Classification: Uncertain significance for Hereditary cancer-predisposing syndrome. Last evaluated: 2020-12-08. Review status: criteria provided, single submitter. Criteria: Ambry Variant Classification Scheme 2023. Collection method: clinical testing. Allele origin: germline.
Comment: The p.V122A variant (also known as c.365T>C), located in coding exon 4 of the NBN gene, results from a T to C substitution at nucleotide position 365. The valine at codon 122 is replaced by alanine, an amino acid with similar properties. This amino acid position is not well conserved in available vertebrate species. In addition, this alteration is predicted to be tolerated by in silico analysis. Since supporting evidence is limited at this time, the clinical significance of this alteration remains unclear.